The following is an entry in ClinVar:

ClinVar aggregate classification (germline): Pathogenic. Review status: criteria provided, multiple submitters, no conflicts (2 of 4 stars). 2 submissions from 2 submitters: Pathogenic (2). Last evaluated 2025-10-31.

Conditions:
Hereditary cancer-predisposing syndrome. Also called: Hereditary neoplastic syndrome; Tumor predisposition; Neoplastic Syndromes, Hereditary; Hereditary Cancer Syndrome. Identifiers: Orphanet 140162, MedGen C0027672, MeSH D009386, MONDO:0015356.
Birt-Hogg-Dube syndrome. Also called: Birt Hogg Dubé syndrome. Identifiers: Orphanet 122, MedGen C0346010, MONDO:0800444.

Submissions (2):

Ambry Genetics
Classification: Pathogenic for Hereditary cancer-predisposing syndrome. Last evaluated: 2025-10-31. Review status: criteria provided, single submitter. Criteria: Ambry Variant Classification Scheme 2023. Collection method: clinical testing. Allele origin: germline.
Comment: The p.E307* pathogenic mutation (also known as c.919G>T), located in coding exon 6 of the FLCN gene, results from a G to T substitution at nucleotide position 919. This changes the amino acid from a glutamic acid to a stop codon within coding exon 6. This variant is considered to be rare based on population cohorts in the Genome Aggregation Database (gnomAD). This alteration is expected to result in loss of function by premature protein truncation or nonsense-mediated mRNA decay. As such, this alteration is interpreted as a disease-causing mutation.

Myriad Genetics, Inc.
Classification: Pathogenic for Birt-Hogg-Dube syndrome 1. Last evaluated: 2023-02-07. Review status: criteria provided, single submitter. Criteria: Myriad Autosomal Dominant, Autosomal Recessive and X-Linked Classification Criteria (2023). Collection method: clinical testing. Allele origin: unknown.
Comment: This variant is considered pathogenic. This variant creates a termination codon and is predicted to result in premature protein truncation.

NM_144997.7(FLCN):c.919G>T (p.Glu307Ter)

Gene: FLCN (folliculin; minus strand). Cytogenetic location: 17p11.2.
Variant type: single nucleotide variant.
Coding change: c.919G>T on transcript NM_144997.7 (MANE Select); coding-DNA position 919, G replaced by T.
Protein change: p.Glu307Ter; replaces glutamic acid 307 with a stop codon.
Molecular consequence: nonsense.
Genome position (GRCh38, 1-based): chr17:17,219,162, C>A on the plus strand (G>T on the coding strand, the complement: FLCN is on the minus strand). VCF-style: chr17-17219162-C-A. GRCh37 (hg19) VCF-style: chr17-17122476-C-A.
Other names: c.919G>T (LRG_325t1); c.973G>T, p.Glu325Ter (NM_001353229.2); c.919G>T, p.Glu307Ter (NM_001353230.2, NM_001353231.2); short protein forms E307*, E325*.
Identifiers: ClinVar variation 428644 (VCV000428644.7), dbSNP rs932256543, ClinGen allele CA288311789.
Genomic context (GRCh38, chr17:17,219,162, plus strand): 5'-CCGGGCCCTGGGTCAGCTCCCGCCCTTCTGTACTCTCTGGCAACACAGGGGCTTTCTCCT[C>A]CTCTTCAGCCTCAGAGTTGTCCCAGCTTTCTGATTCCTCTTCTAAATCTGCAAGACAGAT-3'